The following is an entry in ClinVar:

ClinVar aggregate classification (germline): Uncertain significance (1 of 4 stars; one submission).

Conditions:
Microcephaly, epilepsy, and diabetes syndrome. Identifiers: Orphanet 306558, MedGen C3280240, MONDO:0100328.

Allele frequency attached by ClinVar (database versions not stated): gnomAD exomes below 0.00001.

Submission:

Labcorp Genetics (formerly Invitae), Labcorp
Classification: Uncertain significance for Microcephaly, epilepsy, and diabetes syndrome. Last evaluated: 2025-06-23. Review status: criteria provided, single submitter. Criteria: Invitae Variant Classification Sherloc (09022015). Collection method: clinical testing. Allele origin: germline.
Comment: This sequence change replaces serine, which is neutral and polar, with leucine, which is neutral and non-polar, at codon 50 of the IER3IP1 protein (p.Ser50Leu). This variant is present in population databases (no rsID available, gnomAD 0.0009%). This variant has not been reported in the literature in individuals affected with IER3IP1-related conditions. ClinVar contains an entry for this variant (Variation ID: 1044884). An algorithm developed to predict the effect of missense changes on protein structure and function (PolyPhen-2) suggests that this variant is likely to be tolerated. In summary, the available evidence is currently insufficient to determine the role of this variant in disease. Therefore, it has been classified as a Variant of Uncertain Significance.

NM_016097.5(IER3IP1):c.149C>T (p.Ser50Leu)

Gene: IER3IP1 (immediate early response 3 interacting protein 1; minus strand). Cytogenetic location: 18q21.1.
Variant type: single nucleotide variant.
Coding change: c.149C>T on transcript NM_016097.5 (MANE Select); coding-DNA position 149, C replaced by T.
Protein change: p.Ser50Leu; replaces serine 50 with leucine.
Molecular consequence: missense variant.
Genome position (GRCh38, 1-based): chr18:47,157,480, G>A on the plus strand (C>T on the coding strand, the complement: IER3IP1 is on the minus strand). VCF-style: chr18-47157480-G-A. GRCh37 (hg19) VCF-style: chr18-44683851-G-A.
Other names: short protein forms S50L.
Identifiers: ClinVar variation 1044884 (VCV001044884.7), dbSNP rs1423240820, ClinGen allele CA402490139.